The following is an entry in ClinVar:

NM_005045.4(RELN):c.2754A>G (p.Gln918=)

Gene: RELN (reelin; minus strand). Cytogenetic location: 7q22.1.
Variant type: single nucleotide variant.
Coding change: c.2754A>G on transcript NM_005045.4 (MANE Select); coding-DNA position 2754, A replaced by G.
Protein change: p.Gln918=; no amino-acid change (glutamine 918 retained).
Molecular consequence: synonymous variant.
Genome position (GRCh38, 1-based): chr7:103,611,752, T>C on the plus strand (A>G on the coding strand, the complement: RELN is on the minus strand). VCF-style: chr7-103611752-T-C. GRCh37 (hg19) VCF-style: chr7-103252199-T-C.
Other names: c.2754A>G, p.Gln918= (NM_173054.3).
Identifiers: ClinVar variation 195602 (VCV000195602.20), dbSNP rs114620008, ClinGen allele CA242076.

ClinVar aggregate classification (germline): Conflicting classifications of pathogenicity. Review status: criteria provided, conflicting classifications (1 of 4 stars). 4 submissions from 4 submitters: Uncertain significance (2); Likely benign (2). Last evaluated 2025-10-10.

Conditions:
Norman-Roberts syndrome (LIS2). Also called: Lissencephaly 2 (Norman-Roberts type). Identifiers: Orphanet 89844, MedGen C0796089, MONDO:0009760, OMIM 257320.
Familial temporal lobe epilepsy 7. Identifiers: Orphanet 101046, MedGen C4225327, MONDO:0014639, OMIM 616436.
RELN-related disorder. Also called: RELN-related condition.

Allele frequency attached by ClinVar (database versions not stated): gnomAD 0.00031 and 0.00034; TOPMed 0.00032; 1000 Genomes Project 30x 0.00062; 1000 Genomes Project 0.00080; gnomAD exomes 0.00003 and 0.00009; ExAC 0.00012; ESP Exome Variant Server 0.00023.
gnomAD v4.1: 99 of 1,614,038 alleles (0.0061%); highest among the groups gnomAD compares: African/African-American, 0.12%; no homozygotes.

Submissions (4):

Labcorp Genetics (formerly Invitae), Labcorp
Classification: Likely benign for Familial temporal lobe epilepsy 7; Norman-Roberts syndrome. Last evaluated: 2025-10-10. Review status: criteria provided, single submitter. Criteria: Invitae Variant Classification Sherloc (09022015). Collection method: clinical testing. Allele origin: germline.

PreventionGenetics, part of Exact Sciences
Classification: Likely benign for RELN-related condition. Last evaluated: 2024-10-18. Review status: criteria provided, single submitter. Criteria: ACMG Guidelines, 2015. Collection method: clinical testing. Allele origin: germline.
Comment: This variant is classified as likely benign based on ACMG/AMP sequence variant interpretation guidelines (Richards et al. 2015 PMID: 25741868, with internal and published modifications).

Illumina Laboratory Services, Illumina
Classification: Uncertain significance for Norman-Roberts syndrome. Last evaluated: 2018-01-13. Review status: criteria provided, single submitter. Criteria: ICSL Variant Classification Criteria 13 December 2019. Collection method: clinical testing. Allele origin: germline.

Eurofins Ntd Llc (ga)
Classification: Uncertain significance. Last evaluated: 2014-12-17. Review status: criteria provided, single submitter. Criteria: EGL Classification Definitions 2015. Collection method: clinical testing. Allele origin: germline. Observed: 1 variant allele, 1 heterozygote.